The following is an entry in ClinVar:

NM_005654.6(NR2F1):c.107_115dup (p.Gly36_Gly38dup)

Genes: NR2F1-AS1 (NR2F1 regulatory antisense RNA 1; minus strand), NR2F1 (nuclear receptor subfamily 2 group F member 1; plus strand). Cytogenetic location: 5q15.
Variant type: Duplication.
Coding change: c.107_115dup on transcript NM_005654.6 (MANE Select); coding-DNA positions 107 to 115, 9 bases duplicated (GCGCCGGCG; older notation c.107_115dupGCGCCGGCG).
Protein change: p.Gly36_Gly38dup.
Molecular consequence: inframe insertion.
Genome position (GRCh38, 1-based): chr5:93,585,130-93,585,138, GCGCCGGCG duplicated; duplicating any 9 consecutive bases within chr5:93,585,125-93,585,138 gives the same sequence; the c. name uses the placement nearest the transcript's 3' end. VCF-style (leftmost placement, unchanged base first): chr5-93585124-G-GCGGCGGCGC. GRCh37 (hg19) VCF-style: chr5-92920830-G-GCGGCGGCGC.
Identifiers: ClinVar variation 1475412 (VCV001475412.11), dbSNP rs1414612574, ClinGen allele CA561258795.

ClinVar aggregate classification (germline): Conflicting classifications of pathogenicity. Review status: criteria provided, conflicting classifications (1 of 4 stars). 2 submissions from 2 submitters: Uncertain significance (1); Likely benign (1). Last evaluated 2025-04-21.

Submissions (2):

Labcorp Genetics (formerly Invitae), Labcorp
Classification: Uncertain significance. Last evaluated: 2025-04-21. Review status: criteria provided, single submitter. Criteria: Invitae Variant Classification Sherloc (09022015). Collection method: clinical testing. Allele origin: germline.
Comment: This variant, c.107_115dup, results in the insertion of 3 amino acid(s) of the NR2F1 protein (p.Gly36_Gly38dup), but otherwise preserves the integrity of the reading frame. The frequency data for this variant in the population databases is considered unreliable, as metrics indicate poor data quality at this position in the gnomAD database. This variant has not been reported in the literature in individuals affected with NR2F1-related conditions. ClinVar contains an entry for this variant (Variation ID: 1475412). Experimental studies and prediction algorithms are not available or were not evaluated, and the functional significance of this variant is currently unknown. In summary, the available evidence is currently insufficient to determine the role of this variant in disease. Therefore, it has been classified as a Variant of Uncertain Significance.

GeneDx
Classification: Likely benign. Last evaluated: 2022-05-27. Review status: criteria provided, single submitter. Criteria: GeneDx Variant Classification Process June 2021. Collection method: clinical testing. Allele origin: germline. Affected: yes.
Comment: See Variant Classification Assertion Criteria.